The following is an entry in ClinVar:

ClinVar aggregate classification (germline): Uncertain significance. Review status: criteria provided, multiple submitters, no conflicts (2 of 4 stars). 3 submissions from 3 submitters: Uncertain significance (3). Last evaluated 2024-03-28.

Conditions:
Inborn genetic diseases. Identifiers: MedGen C0950123, MeSH D030342.
Fraser syndrome 1 (FRASRS1). Also called: CRYPTOPHTHALMOS WITH OTHER MALFORMATIONS. Identifiers: Orphanet 2052, MedGen C4551480, MONDO:0054737, OMIM 219000.

Allele frequency attached by ClinVar (database versions not stated): gnomAD 0.00011; TOPMed 0.00011; ExAC 0.00013; ESP Exome Variant Server 0.00016; gnomAD exomes 0.00026.
gnomAD v4.1: 404 of 1,613,586 alleles (0.025%); highest among the groups gnomAD compares: Non-Finnish European, 0.032%; no homozygotes.

Submissions (3):

Fulgent Genetics
Classification: Uncertain significance for Fraser syndrome 1. Last evaluated: 2024-03-28. Review status: criteria provided, single submitter. Criteria: ACMG Guidelines, 2015. Collection method: clinical testing. Allele origin: germline.

Ambry Genetics
Classification: Uncertain significance for Inborn genetic diseases. Last evaluated: 2022-08-02. Review status: criteria provided, single submitter. Criteria: Ambry Variant Classification Scheme 2023. Collection method: clinical testing. Allele origin: germline.

Labcorp Genetics (formerly Invitae), Labcorp
Classification: Uncertain significance. Last evaluated: 2022-03-26. Review status: criteria provided, single submitter. Criteria: Invitae Variant Classification Sherloc (09022015). Collection method: clinical testing. Allele origin: germline.
Comment: This sequence change replaces threonine, which is neutral and polar, with alanine, which is neutral and non-polar, at codon 3171 of the FRAS1 protein (p.Thr3171Ala). This variant is present in population databases (rs371473592, gnomAD 0.03%). This variant has not been reported in the literature in individuals affected with FRAS1-related conditions. Algorithms developed to predict the effect of missense changes on protein structure and function (SIFT, PolyPhen-2, Align-GVGD) all suggest that this variant is likely to be tolerated. In summary, the available evidence is currently insufficient to determine the role of this variant in disease. Therefore, it has been classified as a Variant of Uncertain Significance.

NM_025074.7(FRAS1):c.9511A>G (p.Thr3171Ala)

Gene: FRAS1 (Fraser extracellular matrix complex subunit 1; plus strand). Cytogenetic location: 4q21.21.
Variant type: single nucleotide variant.
Coding change: c.9511A>G on transcript NM_025074.7 (MANE Select); coding-DNA position 9511, A replaced by G.
Protein change: p.Thr3171Ala; replaces threonine 3171 with alanine.
Molecular consequence: missense variant.
Genome position (GRCh38, 1-based): chr4:78,508,737, A>G. VCF-style: chr4-78508737-A-G. GRCh37 (hg19) VCF-style: chr4-79429891-A-G.
Other names: c.9511A>G (NM_025074.6); short protein forms T3171A.
Identifiers: ClinVar variation 2173642 (VCV002173642.3), dbSNP rs371473592, ClinGen allele CA2978686.
Genomic context (GRCh38, chr4:78,508,737, plus strand): 5'-TCTCTGACCTTGCCAATACCCAACCTGAACTGAAGCTTTGTTGCTCTTTCGCAGGTGGTC[A>G]CACTTGCTGACTATGACCATGTGGAAGAAGTTACCAAGGAAGGAGTCAAGAAATCCCCCT-3'
Protein context (NP_079350.5, residues 3161-3181): LILPAPPIVV[Thr3171Ala]LADYDHVEEV